The following is an entry in ClinVar:

NM_004618.5(TOP3A):c.2558A>G (p.Asn853Ser)

Gene: TOP3A (DNA topoisomerase III alpha; minus strand). Cytogenetic location: 17p11.2.
Variant type: single nucleotide variant.
Coding change: c.2558A>G on transcript NM_004618.5 (MANE Select); coding-DNA position 2558, A replaced by G.
Protein change: p.Asn853Ser; replaces asparagine 853 with serine.
Molecular consequence: missense variant.
Genome position (GRCh38, 1-based): chr17:18,277,944, T>C on the plus strand (A>G on the coding strand, the complement: TOP3A is on the minus strand). VCF-style: chr17-18277944-T-C. GRCh37 (hg19) VCF-style: chr17-18181258-T-C.
Other names: p.Asn853Ser; c.2273A>G, p.Asn758Ser (NM_001320759.2); short protein forms N758S, N853S.
Identifiers: ClinVar variation 2071330 (VCV002071330.2), dbSNP rs201942380, ClinGen allele CA8429575.

ClinVar aggregate classification (germline): Conflicting classifications of pathogenicity. Review status: criteria provided, conflicting classifications (1 of 4 stars). 2 submissions from 2 submitters: Uncertain significance (1); Likely benign (1). Last evaluated 2024-10-14.

Allele frequency attached by ClinVar (database versions not stated): TOPMed 0.00060; ExAC 0.00042; 1000 Genomes Project 0.00120; 1000 Genomes Project 30x 0.00141; gnomAD exomes 0.00014; ESP Exome Variant Server 0.00023; gnomAD 0.00053.
gnomAD v4.1: 296 of 1,613,958 alleles (0.018%); highest among the groups gnomAD compares: Admixed American, 0.14%; no homozygotes.

Submissions (2):

Mayo Clinic Laboratories, Mayo Clinic
Classification: Likely benign. Last evaluated: 2024-10-14. Review status: criteria provided, single submitter. Criteria: ACMG Guidelines, 2015. Collection method: clinical testing. Allele origin: germline. Observed: 1 variant allele.
Comment: BS1, BP4

Labcorp Genetics (formerly Invitae), Labcorp
Classification: Uncertain significance. Last evaluated: 2022-08-21. Review status: criteria provided, single submitter. Criteria: Invitae Variant Classification Sherloc (09022015). Collection method: clinical testing. Allele origin: germline.
Comment: This sequence change replaces asparagine, which is neutral and polar, with serine, which is neutral and polar, at codon 853 of the TOP3A protein (p.Asn853Ser). This variant is present in population databases (rs201942380, gnomAD 0.1%). This variant has not been reported in the literature in individuals affected with TOP3A-related conditions. Algorithms developed to predict the effect of missense changes on protein structure and function are either unavailable or do not agree on the potential impact of this missense change (SIFT: "Not Available"; PolyPhen-2: "Benign"; Align-GVGD: "Not Available"). In summary, the available evidence is currently insufficient to determine the role of this variant in disease. Therefore, it has been classified as a Variant of Uncertain Significance.